The following is an entry in ClinVar:

NM_001128840.3(CACNA1D):c.6469T>C (p.Cys2157Arg)

Gene: CACNA1D (calcium voltage-gated channel subunit alpha1 D; plus strand). Cytogenetic location: 3p21.1.
Variant type: single nucleotide variant.
Coding change: c.6469T>C on transcript NM_001128840.3 (MANE Select); coding-DNA position 6469, T replaced by C.
Protein change: p.Cys2157Arg; replaces cysteine 2157 with arginine.
Molecular consequence: missense variant.
Genome position (GRCh38, 1-based): chr3:53,811,389, T>C. VCF-style: chr3-53811389-T-C. GRCh37 (hg19) VCF-style: chr3-53845416-T-C.
Other names: c.6529T>C, p.Cys2177Arg (NM_000720.4); c.6397T>C, p.Cys2133Arg (NM_001128839.3); short protein forms C2133R, C2157R, C2177R.
Identifiers: ClinVar variation 2870146 (VCV002870146.5), dbSNP rs1428483747, ClinGen allele CA353259887.

ClinVar aggregate classification (germline): Uncertain significance. Review status: criteria provided, multiple submitters, no conflicts (2 of 4 stars). 2 submissions from 2 submitters: Uncertain significance (2). Last evaluated 2025-10-20.

Allele frequency attached by ClinVar (database versions not stated): gnomAD exomes below 0.00001.
gnomAD v4.1: 3 of 1,574,434 alleles (0.00019%); highest among the groups gnomAD compares: African/African-American, 0.0013%; no homozygotes.

Submissions (2):

Labcorp Genetics (formerly Invitae), Labcorp
Classification: Uncertain significance. Last evaluated: 2025-10-20. Review status: criteria provided, single submitter. Criteria: Invitae Variant Classification Sherloc (09022015). Collection method: clinical testing. Allele origin: germline.
Comment: This sequence change replaces cysteine, which is neutral and slightly polar, with arginine, which is basic and polar, at codon 2177 of the CACNA1D protein (p.Cys2177Arg). The frequency data for this variant in the population databases is considered unreliable, as metrics indicate poor data quality at this position in the gnomAD database. This variant has not been reported in the literature in individuals affected with CACNA1D-related conditions. ClinVar contains an entry for this variant (Variation ID: 2870146). An algorithm developed to predict the effect of missense changes on protein structure and function (PolyPhen-2) suggests that this variant is likely to be disruptive. In summary, the available evidence is currently insufficient to determine the role of this variant in disease. Therefore, it has been classified as a Variant of Uncertain Significance.

Dasa
Classification: Uncertain significance. Last evaluated: 2025-02-12. Review status: criteria provided, single submitter. Criteria: DASA Assertion Criteria. Collection method: clinical testing. Allele origin: germline.
Comment: NM_001128840.3(CACNA1D):c.6469T>C (p.Cys2157Arg) is a missense variant that results in the substitution of cysteine with arginine. This variant is rare in population databases. Computational prediction algorithms are consistent with a deleterious effect. The currently available literature and clinical evidence are not sufficient to establish a definitive association between this variant and the reported condition. Therefore, this variant is classified as a variant of uncertain significance.